The following is an entry in ClinVar:

ClinVar aggregate classification (germline): Uncertain significance (1 of 4 stars; one submission).

Allele frequency attached by ClinVar (database versions not stated): ExAC 0.00001; gnomAD exomes 0.00001; TOPMed 0.00002; gnomAD 0.00003.
gnomAD v4.1: 10 of 1,612,288 alleles (0.00062%); highest among the groups gnomAD compares: African/African-American, 0.012%; no homozygotes.

Submission:

Labcorp Genetics (formerly Invitae), Labcorp
Classification: Uncertain significance. Last evaluated: 2024-11-17. Review status: criteria provided, single submitter. Criteria: Invitae Variant Classification Sherloc (09022015). Collection method: clinical testing. Allele origin: germline.
Comment: This sequence change replaces isoleucine, which is neutral and non-polar, with threonine, which is neutral and polar, at codon 650 of the MKL1 protein (p.Ile650Thr). This variant is present in population databases (rs369180132, gnomAD 0.02%). This variant has not been reported in the literature in individuals affected with MKL1-related conditions. ClinVar contains an entry for this variant (Variation ID: 2874141). An algorithm developed to predict the effect of missense changes on protein structure and function (PolyPhen-2) suggests that this variant is likely to be tolerated. In summary, the available evidence is currently insufficient to determine the role of this variant in disease. Therefore, it has been classified as a Variant of Uncertain Significance.

NM_020831.6(MRTFA):c.2249T>C (p.Ile750Thr)

Gene: MRTFA (myocardin related transcription factor A; minus strand). Cytogenetic location: 22q13.1.
Variant type: single nucleotide variant.
Coding change: c.2249T>C on transcript NM_020831.6 (MANE Select); coding-DNA position 2249, T replaced by C.
Protein change: p.Ile750Thr; replaces isoleucine 750 with threonine.
Molecular consequence: missense variant.
Genome position (GRCh38, 1-based): chr22:40,418,489, A>G on the plus strand (T>C on the coding strand, the complement: MRTFA is on the minus strand). VCF-style: chr22-40418489-A-G. GRCh37 (hg19) VCF-style: chr22-40814493-A-G.
Other names: c.1949T>C, p.Ile650Thr (NM_001282660.2); c.2099T>C, p.Ile700Thr (NM_001282661.3); c.2249T>C, p.Ile750Thr (NM_001282662.3); c.2054T>C, p.Ile685Thr (NM_001318139.2); short protein forms I685T, I700T, I750T, I650T.
Identifiers: ClinVar variation 2874141 (VCV002874141.3), dbSNP rs369180132, ClinGen allele CA10249404.
Genomic context (GRCh38, chr22:40,418,489, plus strand): 5'-GTGAGGACAAGGTGGGTCCCTGTGGAGTCGGTGATGAGGGTGGGAGGTGCAACCCCCTTG[A>G]TGAGGCTGGGGCCCTGAGGCCCCAGAAGCAACTGGGGGGCGGGGACCGGCTCGGGCTCAG-3'
Protein context (NP_065882.2, residues 740-760): LLLGPQGPSL[Ile750Thr]KGVAPPTLIT